The following is an entry in ClinVar:

ClinVar aggregate classification (germline): Uncertain significance (1 of 4 stars; one submission).

Submission:

GeneDx
Classification: Uncertain significance. Last evaluated: 2023-12-05. Review status: criteria provided, single submitter. Criteria: GeneDx Variant Classification Process June 2021. Collection method: clinical testing. Allele origin: germline. Affected: yes.
Comment: Not observed at significant frequency in large population cohorts (gnomAD); In silico analysis supports that this missense variant has a deleterious effect on protein structure/function; Has not been previously published as pathogenic or benign to our knowledge

NM_024675.4(PALB2):c.3086C>G (p.Thr1029Ser)

Gene: PALB2 (partner and localizer of BRCA2; minus strand). Cytogenetic location: 16p12.2.
Variant type: single nucleotide variant.
Coding change: c.3086C>G on transcript NM_024675.4 (MANE Select); coding-DNA position 3086, C replaced by G.
Protein change: p.Thr1029Ser; replaces threonine 1029 with serine.
Molecular consequence: missense variant. On other transcripts: intron variant (1).
Genome position (GRCh38, 1-based): chr16:23,621,389, G>C on the plus strand (C>G on the coding strand, the complement: PALB2 is on the minus strand). VCF-style: chr16-23621389-G-C. GRCh37 (hg19) VCF-style: chr16-23632710-G-C.
Other names: c.3026C>G, p.Thr1009Ser (NM_001407296.1); c.3014C>G, p.Thr1005Ser (NM_001407297.1); c.2924C>G, p.Thr975Ser (NM_001407298.1, NM_001407302.1); c.3086C>G, p.Thr1029Ser (NM_001407299.1, NM_001407301.1); c.2201C>G, p.Thr734Ser (NM_001407304.1, NM_001407305.1, NM_001407306.1 and 4 more transcripts); c.2039C>G, p.Thr680Ser (NM_001407307.1); c.1298C>G, p.Thr433Ser (NM_001407312.1, NM_001407313.1); c.620C>G, p.Thr207Ser (NM_001407314.1); and 1 more; short protein forms T1005S, T1009S, T1029S, T207S, T433S, T680S, T734S, T975S.
Identifiers: ClinVar variation 3365379 (VCV003365379.1).